The following is an entry in ClinVar:

NM_182961.4(SYNE1):c.15174C>T (p.Thr5058=)

Gene: SYNE1 (spectrin repeat containing nuclear envelope protein 1; minus strand). Cytogenetic location: 6q25.2.
Variant type: single nucleotide variant.
Coding change: c.15174C>T on transcript NM_182961.4 (MANE Select); coding-DNA position 15174, C replaced by T.
Protein change: p.Thr5058=; no amino-acid change (threonine 5058 retained).
Molecular consequence: synonymous variant.
Genome position (GRCh38, 1-based): chr6:152,326,415, G>A on the plus strand (C>T on the coding strand, the complement: SYNE1 is on the minus strand). VCF-style: chr6-152326415-G-A. GRCh37 (hg19) VCF-style: chr6-152647550-G-A.
Other names: p.Thr4987=; c.14961C>T (NM_033071.3); c.14961C>T, p.Thr4987= (NM_033071.5).
Identifiers: ClinVar variation 291070 (VCV000291070.8), dbSNP rs377428273, ClinGen allele CA4055865.

ClinVar aggregate classification (germline): Conflicting classifications of pathogenicity. Review status: criteria provided, conflicting classifications (1 of 4 stars). 3 submissions from 3 submitters: Uncertain significance (1); Likely benign (2). Last evaluated 2025-04-23.

Conditions:
Autosomal recessive ataxia, Beauce type. Also called: Spinocerebellar ataxia, autosomal recessive 8; ATAXIA, RECESSIVE, OF BEAUCE; SYNE1 Deficiency; SYNE1-Related Autosomal Recessive Cerebellar Ataxia. Identifiers: Orphanet 88644, MedGen C1853116, MONDO:0012549, OMIM 610743.
Emery-Dreifuss muscular dystrophy 4, autosomal dominant (EDMD4). Also called: EMERY-DREIFUSS MUSCULAR DYSTROPHY 4 WITH VARIABLE FEATURES. Identifiers: Orphanet 261, MedGen C2751807, MONDO:0013071, OMIM 612998.

Allele frequency attached by ClinVar (database versions not stated): gnomAD exomes 0.00001; ExAC 0.00002; gnomAD 0.00002; TOPMed 0.00002; ESP Exome Variant Server 0.00008.
gnomAD v4.1: 7 of 1,614,036 alleles (0.00043%); highest among the groups gnomAD compares: African/African-American, 0.004%; no homozygotes.

Submissions (3):

Mayo Clinic Laboratories, Mayo Clinic
Classification: Likely benign. Last evaluated: 2025-04-23. Review status: criteria provided, single submitter. Criteria: ACMG Guidelines, 2015. Collection method: clinical testing. Allele origin: germline. Observed: 1 variant allele.
Comment: BP4, BP7

Labcorp Genetics (formerly Invitae), Labcorp
Classification: Likely benign for Emery-Dreifuss muscular dystrophy 4, autosomal dominant; Autosomal recessive ataxia, Beauce type. Last evaluated: 2024-04-14. Review status: criteria provided, single submitter. Criteria: Invitae Variant Classification Sherloc (09022015). Collection method: clinical testing. Allele origin: germline.

Eurofins Ntd Llc (ga)
Classification: Uncertain significance. Last evaluated: 2016-09-22. Review status: criteria provided, single submitter. Criteria: EGL Classification Definitions 2015. Collection method: clinical testing. Allele origin: germline. Observed: 1 variant allele, 1 heterozygote.